The following is an entry in ClinVar:

NM_177438.3(DICER1):c.3358A>G (p.Asn1120Asp)

Gene: DICER1 (dicer 1, ribonuclease III; minus strand). Cytogenetic location: 14q32.13.
Variant type: single nucleotide variant.
Coding change: c.3358A>G on transcript NM_177438.3 (MANE Select); coding-DNA position 3358, A replaced by G.
Protein change: p.Asn1120Asp; replaces asparagine 1120 with aspartic acid.
Molecular consequence: missense variant. On other transcripts: non-coding transcript variant (6).
Genome position (GRCh38, 1-based): chr14:95,104,038, T>C on the plus strand (A>G on the coding strand, the complement: DICER1 is on the minus strand). VCF-style: chr14-95104038-T-C. GRCh37 (hg19) VCF-style: chr14-95570375-T-C.
Other names: c.3358A>G, p.Asn1120Asp (NM_001195573.1, NM_001271282.3, NM_001291628.2 and 13 more transcripts); c.3076A>G, p.Asn1026Asp (NM_001395686.1); c.2953A>G, p.Asn985Asp (NM_001395687.1, NM_001395688.1, NM_001395689.1 and 2 more transcripts); c.2791A>G, p.Asn931Asp (NM_001395691.1); c.1675A>G, p.Asn559Asp (NM_001395697.1); short protein forms N1026D, N1120D, N559D, N931D, N985D.
Identifiers: ClinVar variation 3229373 (VCV003229373.1), dbSNP rs2542719078, ClinGen allele CA390875767.
Genomic context (GRCh38, chr14:95,104,038, plus strand): 5'-TTCTATTAGCACCTTGATGTGCAGCATTTTCAGGGACAATTGTGCTGTGCTTACAGTAAT[T>C]ATCATTTTCAGCTGAAGAGGAGTTAGAAATTGAGATGAAAGATTTGCTGTCAATAGATTT-3'
Protein context (NP_803187.1, residues 1110-1130): ISNSSSAEND[Asn1120Asp]YCKHSTIVPE

ClinVar aggregate classification (germline): Uncertain significance (1 of 4 stars; one submission).

Conditions:
Hereditary cancer-predisposing syndrome. Also called: Neoplastic Syndromes, Hereditary; Tumor predisposition; Hereditary neoplastic syndrome; Hereditary Cancer Syndrome. Identifiers: Orphanet 140162, MedGen C0027672, MeSH D009386, MONDO:0015356.

Submission:

Ambry Genetics
Classification: Uncertain significance for Hereditary cancer-predisposing syndrome. Last evaluated: 2023-10-28. Review status: criteria provided, single submitter. Criteria: Ambry Variant Classification Scheme 2023. Collection method: clinical testing. Allele origin: germline.
Comment: The p.N1120D variant (also known as c.3358A>G), located in coding exon 20 of the DICER1 gene, results from an A to G substitution at nucleotide position 3358. The asparagine at codon 1120 is replaced by aspartic acid, an amino acid with highly similar properties. This amino acid position is conserved. In addition, this alteration is predicted to be tolerated by in silico analysis. Since supporting evidence is limited at this time, the clinical significance of this alteration remains unclear.